The following is an entry in ClinVar:

NM_001127898.4(CLCN5):c.315+1G>A

Gene: CLCN5 (chloride voltage-gated channel 5; plus strand). Cytogenetic location: Xp11.23.
Variant type: single nucleotide variant.
Coding change: c.315+1G>A on transcript NM_001127898.4 (MANE Select); the canonical splice donor site of the intron after coding-DNA position 315, G replaced by A.
Molecular consequence: splice donor variant.
Genome position (GRCh38, 1-based): chrX:50,070,031, G>A. VCF-style: chrX-50070031-G-A. GRCh37 (hg19) VCF-style: chrX-49834686-G-A.
Other names: c.315+1G>A (NM_001127899.4); c.105+1G>A (NM_000084.5); c.165+1G>A (NM_001282163.2).
Identifiers: ClinVar variation 2020981 (VCV002020981.4), dbSNP rs2519397094, ClinGen allele CA413181327.

ClinVar aggregate classification (germline): Likely pathogenic (1 of 4 stars; one submission).

Submission:

Labcorp Genetics (formerly Invitae), Labcorp
Classification: Likely pathogenic. Last evaluated: 2021-11-30. Review status: criteria provided, single submitter. Criteria: Invitae Variant Classification Sherloc (09022015). Collection method: clinical testing. Allele origin: germline.
Comment: This sequence change affects a donor splice site in intron 2 of the CLCN5 gene. It is expected to disrupt RNA splicing. Variants that disrupt the donor or acceptor splice site typically lead to a loss of protein function (PMID: 16199547), and loss-of-function variants in CLCN5 are known to be pathogenic (PMID: 22876375, 25907713). Algorithms developed to predict the effect of sequence changes on RNA splicing suggest that this variant may disrupt the consensus splice site. In summary, the currently available evidence indicates that the variant is pathogenic, but additional data are needed to prove that conclusively. Therefore, this variant has been classified as Likely Pathogenic. This variant has not been reported in the literature in individuals affected with CLCN5-related conditions. This variant is not present in population databases (gnomAD no frequency).

Literature cited by the submitters: PubMed 16199547; PubMed 22876375; PubMed 25907713.